The following is an entry in ClinVar:

ClinVar aggregate classification (germline): Conflicting classifications of pathogenicity. Review status: criteria provided, conflicting classifications (1 of 4 stars). 3 submissions from 3 submitters: Uncertain significance (1); Likely benign (1). 1 of the submissions does not count toward it. Last evaluated 2025-06-08.

Conditions:
MEF2C-related disorder. Also called: MEF2C-related condition; MEF2C-related disorders. Identifiers: MedGen CN381096.
Neurodevelopmental disorder with hypotonia, stereotypic hand movements, and impaired language. Also called: Intellectual disability, autosomal dominant 20. Identifiers: Orphanet 228384, Orphanet 664410, MedGen C3150700, MONDO:0013266, OMIM 613443.

Allele frequency attached by ClinVar (database versions not stated): ExAC 0.00003; gnomAD exomes 0.00004 and 0.00005; TOPMed 0.00004; gnomAD 0.00005 and 0.00006; ESP Exome Variant Server 0.00008.
gnomAD v4.1: 80 of 1,613,346 alleles (0.005%); highest among the groups gnomAD compares: Non-Finnish European, 0.0066%; no homozygotes.

Submissions (3):

Labcorp Genetics (formerly Invitae), Labcorp
Classification: Likely benign for Neurodevelopmental disorder with hypotonia, stereotypic hand movements, and impaired language. Last evaluated: 2025-06-08. Review status: criteria provided, single submitter. Criteria: Invitae Variant Classification Sherloc (09022015). Collection method: clinical testing. Allele origin: germline.

Eurofins Ntd Llc (ga)
Classification: Uncertain significance. Last evaluated: 2014-07-15. Review status: criteria provided, single submitter. Criteria: EGL Classification Definitions 2015. Collection method: clinical testing. Allele origin: germline. Observed: 1 variant allele, 1 heterozygote.

PreventionGenetics, part of Exact Sciences
Classification: Likely benign for MEF2C-related condition. Last evaluated: 2023-04-20. Review status: no assertion criteria provided. Collection method: clinical testing. Allele origin: germline. Not counted in ClinVar's aggregate classification.
Comment: This variant is classified as likely benign based on ACMG/AMP sequence variant interpretation guidelines (Richards et al. 2015 PMID: 25741868, with internal and published modifications).

NM_002397.5(MEF2C):c.759A>G (p.Pro253=)

Gene: MEF2C (myocyte enhancer factor 2C; minus strand). Cytogenetic location: 5q14.3.
Variant type: single nucleotide variant.
Coding change: c.759A>G on transcript NM_002397.5 (MANE Select); coding-DNA position 759, A replaced by G.
Protein change: p.Pro253=; no amino-acid change (proline 253 retained).
Molecular consequence: synonymous variant.
Genome position (GRCh38, 1-based): chr5:88,731,780, T>C on the plus strand (A>G on the coding strand, the complement: MEF2C is on the minus strand). VCF-style: chr5-88731780-T-C. GRCh37 (hg19) VCF-style: chr5-88027597-T-C.
Other names: c.759A>G, p.Pro253= (NM_001364341.2, NM_001364342.2, NM_001364345.2 and 18 more transcripts); c.753A>G, p.Pro251= (NM_001364343.2, NM_001364352.2, NM_001131005.2); c.615A>G, p.Pro205= (NM_001364344.2, NM_001364354.2, NM_001364355.2 and 3 more transcripts); c.381A>G, p.Pro127= (NM_001364353.2, NM_001364356.2); c.333A>G, p.Pro111= (NM_001364357.2); c.813A>G, p.Pro271= (NM_001193347.1, NM_001364338.2).
Identifiers: ClinVar variation 198481 (VCV000198481.14), dbSNP rs368575766, ClinGen allele CA247149.